The following is an entry in ClinVar:

NM_000136.3(FANCC):c.896+1G>C

Genes: AOPEP (aminopeptidase O (putative); plus strand), FANCC (FA complementation group C; minus strand). Cytogenetic location: 9q22.32.
Variant type: single nucleotide variant.
Coding change: c.896+1G>C on transcript NM_000136.3 (MANE Select); the canonical splice donor site of the intron after coding-DNA position 896, G replaced by C.
Molecular consequence: splice donor variant.
Genome position (GRCh38, 1-based): chr9:95,126,528, C>G on the plus strand (G>C on the coding strand, the complement: FANCC is on the minus strand). VCF-style: chr9-95126528-C-G. GRCh37 (hg19) VCF-style: chr9-97888810-C-G.
Other names: c.896+1G>C (NM_001243743.2, NM_001243744.2).
Identifiers: ClinVar variation 456169 (VCV000456169.15), dbSNP rs1554833186, ClinGen allele CA374109045.

ClinVar aggregate classification (germline): Likely pathogenic. Review status: criteria provided, multiple submitters, no conflicts (2 of 4 stars). 3 submissions from 3 submitters: Likely pathogenic (3). Last evaluated 2025-07-31.

Conditions:
Fanconi anemia (FA). Also called: Fanconi's anemia. Identifiers: Orphanet 84, MedGen C0015625, MeSH D005199, MONDO:0019391.
Fanconi anemia complementation group C (FANCC). Also called: Fanconi anemia, group C; FANCC-Related Fanconi Anemia; FANCONI PANCYTOPENIA, TYPE 3; FACC. Identifiers: Orphanet 84, MedGen C3468041, MONDO:0009213, OMIM 227645.

Submissions (3):

Labcorp Genetics (formerly Invitae), Labcorp
Classification: Likely pathogenic for Fanconi anemia. Last evaluated: 2025-07-31. Review status: criteria provided, single submitter. Criteria: Invitae Variant Classification Sherloc (09022015). Collection method: clinical testing. Allele origin: germline.
Comment: This sequence change affects a donor splice site in intron 9 of the FANCC gene. It is expected to disrupt RNA splicing. Variants that disrupt the donor or acceptor splice site typically lead to a loss of protein function (PMID: 16199547), and loss-of-function variants in FANCC are known to be pathogenic (PMID: 17924555). This variant is not present in population databases (gnomAD no frequency). This variant has not been reported in the literature in individuals affected with FANCC-related conditions. ClinVar contains an entry for this variant (Variation ID: 456169). Algorithms developed to predict the effect of sequence changes on RNA splicing suggest that this variant may disrupt the consensus splice site. In summary, the currently available evidence indicates that the variant is pathogenic, but additional data are needed to prove that conclusively. Therefore, this variant has been classified as Likely Pathogenic.

Natera, Inc.
Classification: Likely pathogenic for Fanconi anemia. Last evaluated: 2024-05-01. Review status: criteria provided, single submitter. Criteria: Natera Variant Classification Schema (03/2026). Collection method: clinical testing. Allele origin: germline.
Comment: The c.896+1G>C variant in FANCC is a canonical splice donor site variant predicted to affect pre-mRNA splicing, which may result in an abnormal transcript and altered protein product. This variant is expected to result in nonsense mediated decay, truncation, or a dysfunctional protein product. This variant is rare in the general population with a frequency below the threshold expected for the associated phenotype(s). Given the available evidence, this variant is classified as Likely Pathogenic.

Fulgent Genetics
Classification: Likely pathogenic for Fanconi anemia complementation group C. Last evaluated: 2024-04-23. Review status: criteria provided, single submitter. Criteria: ACMG Guidelines, 2015. Collection method: clinical testing. Allele origin: germline.

Literature cited by the submitters: PubMed 16199547 (cited by Labcorp Genetics (formerly Invitae), Labcorp); PubMed 17924555 (cited by Labcorp Genetics (formerly Invitae), Labcorp).